The following is an entry in ClinVar:

NM_001283009.2(RTEL1):c.3509G>T (p.Arg1170Leu)

Genes: RTEL1 (regulator of telomere elongation helicase 1; plus strand), RTEL1-TNFRSF6B (RTEL1-TNFRSF6B readthrough (NMD candidate); plus strand). Cytogenetic location: 20q13.33.
Variant type: single nucleotide variant.
Coding change: c.3509G>T on transcript NM_001283009.2 (MANE Select); coding-DNA position 3509, G replaced by T.
Protein change: p.Arg1170Leu; replaces arginine 1170 with leucine.
Molecular consequence: missense variant. On other transcripts: non-coding transcript variant (1).
Genome position (GRCh38, 1-based): chr20:63,695,337, G>T. VCF-style: chr20-63695337-G-T. GRCh37 (hg19) VCF-style: chr20-62326690-G-T.
Other names: c.2840G>T, p.Arg947Leu (NM_001283010.1); c.3509G>T, p.Arg1170Leu (NM_016434.4); c.3581G>T, p.Arg1194Leu (NM_032957.5); short protein forms R1194L, R947L, R1170L.
Identifiers: ClinVar variation 2930518 (VCV002930518.3), dbSNP rs375593361, ClinGen allele CA409685574.

ClinVar aggregate classification (germline): Uncertain significance (1 of 4 stars; one submission).

Conditions:
Dyskeratosis congenita, autosomal recessive 5 (DKCB5). Identifiers: MedGen C3554656, MONDO:0014076, OMIM 615190.
Pulmonary fibrosis and/or bone marrow failure, Telomere-related, 3. Also called: PULMONARY FIBROSIS AND/OR BONE MARROW FAILURE SYNDROME, TELOMERE-RELATED, 3. Identifiers: Orphanet 2032, MedGen C4225346, MONDO:0014613, OMIM 616373.

gnomAD v4.1: 1 of 1,555,716 alleles (0.000064%); highest among the groups gnomAD compares: Non-Finnish European, 0.000087%; no homozygotes.

Submission:

Labcorp Genetics (formerly Invitae), Labcorp
Classification: Uncertain significance for Dyskeratosis congenita, autosomal recessive 5; Pulmonary fibrosis and/or bone marrow failure, Telomere-related, 3. Last evaluated: 2024-06-12. Review status: criteria provided, single submitter. Criteria: Invitae Variant Classification Sherloc (09022015). Collection method: clinical testing. Allele origin: germline.
Comment: This sequence change replaces arginine, which is basic and polar, with leucine, which is neutral and non-polar, at codon 1170 of the RTEL1 protein (p.Arg1170Leu). This variant is not present in population databases (gnomAD no frequency). This variant has not been reported in the literature in individuals affected with RTEL1-related conditions. Algorithms developed to predict the effect of missense changes on protein structure and function output the following: SIFT: "Not Available"; PolyPhen-2: "Benign"; Align-GVGD: "Not Available". The leucine amino acid residue is found in multiple mammalian species, which suggests that this missense change does not adversely affect protein function. In summary, the available evidence is currently insufficient to determine the role of this variant in disease. Therefore, it has been classified as a Variant of Uncertain Significance.